The following is an entry in ClinVar:

NM_001195263.2(PDZD7):c.2431C>G (p.Arg811Gly)

Gene: PDZD7 (PDZ domain containing 7; minus strand). Cytogenetic location: 10q24.31.
Variant type: single nucleotide variant.
Coding change: c.2431C>G on transcript NM_001195263.2 (MANE Select); coding-DNA position 2431, C replaced by G.
Protein change: p.Arg811Gly; replaces arginine 811 with glycine.
Molecular consequence: missense variant.
Genome position (GRCh38, 1-based): chr10:101,010,458, G>C on the plus strand (C>G on the coding strand, the complement: PDZD7 is on the minus strand). VCF-style: chr10-101010458-G-C. GRCh37 (hg19) VCF-style: chr10-102770215-G-C.
Other names: short protein forms R811G.
Identifiers: ClinVar variation 2117517 (VCV002117517.4), dbSNP rs1852354361, ClinGen allele CA378224218.

ClinVar aggregate classification (germline): Uncertain significance (1 of 4 stars; one submission).

Submission:

Labcorp Genetics (formerly Invitae), Labcorp
Classification: Uncertain significance. Last evaluated: 2022-09-01. Review status: criteria provided, single submitter. Criteria: Invitae Variant Classification Sherloc (09022015). Collection method: clinical testing. Allele origin: germline.
Comment: In summary, the available evidence is currently insufficient to determine the role of this variant in disease. Therefore, it has been classified as a Variant of Uncertain Significance. Algorithms developed to predict the effect of missense changes on protein structure and function are either unavailable or do not agree on the potential impact of this missense change (SIFT: "Tolerated"; PolyPhen-2: "Not Available"; Align-GVGD: "Class C0"). This variant has not been reported in the literature in individuals affected with PDZD7-related conditions. This variant is not present in population databases (gnomAD no frequency). This sequence change replaces arginine, which is basic and polar, with glycine, which is neutral and non-polar, at codon 811 of the PDZD7 protein (p.Arg811Gly).